The following is an entry in ClinVar:

ClinVar aggregate classification (germline): Uncertain significance. Review status: criteria provided, multiple submitters, no conflicts (2 of 4 stars). 2 submissions from 2 submitters: Uncertain significance (2). Last evaluated 2022-08-04.

Allele frequency attached by ClinVar (database versions not stated): TOPMed 0.00001; gnomAD exomes 0.00002 and 0.00003; ExAC 0.00004.
gnomAD v4.1: 30 of 1,614,188 alleles (0.0019%); highest among the groups gnomAD compares: South Asian, 0.029%; no homozygotes.

Submissions (2):

GeneDx
Classification: Uncertain significance. Last evaluated: 2022-08-04. Review status: criteria provided, single submitter. Criteria: GeneDx Variant Classification Process June 2021. Collection method: clinical testing. Allele origin: germline. Affected: yes.
Comment: In silico analysis supports that this missense variant does not alter protein structure/function; Has not been previously published as pathogenic or benign to our knowledge

Mayo Clinic Laboratories, Mayo Clinic
Classification: Uncertain significance. Last evaluated: 2021-11-29. Review status: criteria provided, single submitter. Criteria: ACMG Guidelines, 2015. Collection method: clinical testing. Allele origin: germline.

NM_000037.4(ANK1):c.2518G>A (p.Glu840Lys)

Gene: ANK1 (ankyrin 1; minus strand). Cytogenetic location: 8p11.21.
Variant type: single nucleotide variant.
Coding change: c.2518G>A on transcript NM_000037.4 (MANE Select); coding-DNA position 2518, G replaced by A.
Protein change: p.Glu840Lys; replaces glutamic acid 840 with lysine.
Molecular consequence: missense variant.
Genome position (GRCh38, 1-based): chr8:41,699,492, C>T on the plus strand (G>A on the coding strand, the complement: ANK1 is on the minus strand). VCF-style: chr8-41699492-C-T. GRCh37 (hg19) VCF-style: chr8-41557010-C-T.
Other names: p.Glu840Lys; c.2641G>A, p.Glu881Lys (NM_001142446.2); c.2518G>A, p.Glu840Lys (NM_020475.3, NM_020476.3, NM_020477.3); short protein forms E840K, E881K.
Identifiers: ClinVar variation 1693982 (VCV001693982.7), dbSNP rs746374514, ClinGen allele CA4728195.